The following is an entry in ClinVar:

NC_000018.9:g.21124907_21124908insCCCT

Gene: NPC1 (NPC intracellular cholesterol transporter 1; minus strand).
Variant type: Insertion.
Identifiers: ClinVar variation 1589742 (VCV001589742.9), dbSNP rs1555634620, ClinGen allele CA777724891.

ClinVar aggregate classification (germline): Likely benign. Review status: criteria provided, multiple submitters, no conflicts (2 of 4 stars). 2 submissions from 2 submitters: Likely benign (2). Last evaluated 2025-12-01.

Conditions:
Niemann-Pick disease, type C1. Also called: NIEMANN-PICK DISEASE, VARIANT TYPE C1; NEUROVISCERAL STORAGE DISEASE WITH VERTICAL SUPRANUCLEAR OPHTHALMOPLEGIA; NIEMANN-PICK DISEASE WITH CHOLESTEROL ESTERIFICATION BLOCK; NIEMANN-PICK DISEASE WITHOUT SPHINGOMYELINASE DEFICIENCY; NIEMANN-PICK DISEASE, CHRONIC NEURONOPATHIC FORM. Identifiers: Orphanet 646, MedGen C3179455, MONDO:0009757, OMIM 257220.
NPC1-related disorder. Also called: NPC1-related condition.

Submissions (2):

Labcorp Genetics (formerly Invitae), Labcorp
Classification: Likely benign for Niemann-Pick disease, type C1. Last evaluated: 2025-12-01. Review status: criteria provided, single submitter. Criteria: Invitae Variant Classification Sherloc (09022015). Collection method: clinical testing. Allele origin: germline.

PreventionGenetics, part of Exact Sciences
Classification: Likely benign for NPC1-related condition. Last evaluated: 2025-03-21. Review status: criteria provided, single submitter. Criteria: ACMG Guidelines, 2015. Collection method: clinical testing. Allele origin: germline.
Comment: This variant is classified as likely benign based on ACMG/AMP sequence variant interpretation guidelines (Richards et al. 2015 PMID: 25741868, with internal and published modifications).